The following is an entry in ClinVar:

NM_000069.3(CACNA1S):c.4339C>A (p.Arg1447=)

Gene: CACNA1S (calcium voltage-gated channel subunit alpha1 S; minus strand). Cytogenetic location: 1q32.1.
Variant type: single nucleotide variant.
Coding change: c.4339C>A on transcript NM_000069.3 (MANE Select); coding-DNA position 4339, C replaced by A.
Protein change: p.Arg1447=; no amino-acid change (arginine 1447 retained).
Molecular consequence: synonymous variant.
Genome position (GRCh38, 1-based): chr1:201,048,684, G>T on the plus strand (C>A on the coding strand, the complement: CACNA1S is on the minus strand). VCF-style: chr1-201048684-G-T. GRCh37 (hg19) VCF-style: chr1-201017812-G-T.
Identifiers: ClinVar variation 2199761 (VCV002199761.9), dbSNP rs758909185, ClinGen allele CA36000451.

ClinVar aggregate classification (germline): Conflicting classifications of pathogenicity. Review status: criteria provided, conflicting classifications (1 of 4 stars). 2 submissions from 2 submitters: Uncertain significance (1); Likely benign (1). Last evaluated 2025-12-01.

Conditions:
Hypokalemic periodic paralysis, type 1. Also called: HypoPP; Hypokalemic Periodic Paralysis Type 1 (AD). Identifiers: Orphanet 681, MedGen C3714580, MONDO:0042979, OMIM 170400.
Malignant hyperthermia, susceptibility to, 5 (MHS5). Also called: CACNA1S-Related Malignant Hyperthermia Susceptibility. Identifiers: Orphanet 423, MedGen C1866077, MONDO:0011163, OMIM 601887.

Allele frequency attached by ClinVar (database versions not stated): gnomAD 0.00001.
gnomAD v4.1: 9 of 1,612,134 alleles (0.00056%); highest among the groups gnomAD compares: Non-Finnish European, 0.00076%; no homozygotes.

Submissions (2):

CeGaT Center for Human Genetics Tuebingen
Classification: Likely benign. Last evaluated: 2025-12-01. Review status: criteria provided, single submitter. Criteria: CeGaT Center For Human Genetics Tuebingen Variant Classification Criteria Version 2. Collection method: clinical testing. Allele origin: germline. Affected: yes. Observed: 1 variant allele.
Comment: CACNA1S: BP4, BP7

Labcorp Genetics (formerly Invitae), Labcorp
Classification: Uncertain significance for Hypokalemic periodic paralysis, type 1; Malignant hyperthermia, susceptibility to, 5. Last evaluated: 2024-11-28. Review status: criteria provided, single submitter. Criteria: Invitae Variant Classification Sherloc (09022015). Collection method: clinical testing. Allele origin: germline.
Comment: This sequence change affects codon 1447 of the CACNA1S mRNA. It is a 'silent' change, meaning that it does not change the encoded amino acid sequence of the CACNA1S protein. It affects a nucleotide within the consensus splice site. The frequency data for this variant in the population databases is considered unreliable, as metrics indicate poor data quality at this position in the gnomAD database. This variant has not been reported in the literature in individuals affected with CACNA1S-related conditions. ClinVar contains an entry for this variant (Variation ID: 2199761). Algorithms developed to predict the effect of sequence changes on RNA splicing suggest that this variant is not likely to affect RNA splicing. In summary, the available evidence is currently insufficient to determine the role of this variant in disease. Therefore, it has been classified as a Variant of Uncertain Significance.